The following is an entry in ClinVar:

NM_000611.6(CD59):c.301G>A (p.Glu101Lys)

Gene: CD59 (CD59 molecule (CD59 blood group); minus strand). Cytogenetic location: 11p13.
Variant type: single nucleotide variant.
Coding change: c.301G>A on transcript NM_000611.6 (MANE Select); coding-DNA position 301, G replaced by A.
Protein change: p.Glu101Lys; replaces glutamic acid 101 with lysine.
Molecular consequence: missense variant.
Genome position (GRCh38, 1-based): chr11:33,710,212, C>T on the plus strand (G>A on the coding strand, the complement: CD59 is on the minus strand). VCF-style: chr11-33710212-C-T. GRCh37 (hg19) VCF-style: chr11-33731758-C-T.
Other names: c.301G>A, p.Glu101Lys (NM_001127223.1, NM_001127225.2, NM_001127226.2 and 4 more transcripts); short protein forms E101K.
Identifiers: ClinVar variation 1497393 (VCV001497393.3), dbSNP rs971099362, ClinGen allele CA219595550.

ClinVar aggregate classification (germline): Uncertain significance (1 of 4 stars; one submission).

Allele frequency attached by ClinVar (database versions not stated): gnomAD exomes below 0.00001 and 0.00002; gnomAD 0.00001; TOPMed 0.00002.

Submission:

Labcorp Genetics (formerly Invitae), Labcorp
Classification: Uncertain significance. Last evaluated: 2021-11-22. Review status: criteria provided, single submitter. Criteria: Invitae Variant Classification Sherloc (09022015). Collection method: clinical testing. Allele origin: germline.
Comment: This sequence change replaces glutamic acid, which is acidic and polar, with lysine, which is basic and polar, at codon 101 of the CD59 protein (p.Glu101Lys). This variant is present in population databases (no rsID available, gnomAD 0.0009%). This variant has not been reported in the literature in individuals affected with CD59-related conditions. Algorithms developed to predict the effect of missense changes on protein structure and function output the following: SIFT: "Tolerated"; PolyPhen-2: "Benign"; Align-GVGD: "Class C0". The lysine amino acid residue is found in multiple mammalian species, which suggests that this missense change does not adversely affect protein function. In summary, the available evidence is currently insufficient to determine the role of this variant in disease. Therefore, it has been classified as a Variant of Uncertain Significance.